The following is an entry in ClinVar:

ClinVar aggregate classification (germline): Pathogenic. Review status: reviewed by expert panel (3 of 4 stars). 4 submissions from 4 submitters: Pathogenic (1). 3 of the submissions do not count toward it. Last evaluated 2018-12-09.

Conditions:
Phenylketonuria (PKU). Also called: OLIGOPHRENIA PHENYLPYRUVICA; Phenylketonurias; FOLLING DISEASE; Phenylketonuria (PKU). Identifiers: Orphanet 716, MedGen C0031485, MONDO:0009861, OMIM 261600. Disease mechanism: loss of function.

Allele frequency attached by ClinVar (database versions not stated): gnomAD exomes below 0.00001; TOPMed 0.00002.
gnomAD v4.1: 2 of 1,613,606 alleles (0.00012%); highest among the groups gnomAD compares: African/African-American, 0.0013%; no homozygotes.

Submissions (4):

ClinGen PAH Variant Curation Expert Panel
Classification: Pathogenic for Phenylketonuria. Last evaluated: 2018-12-09. Review status: reviewed by expert panel. Criteria: ClinGen PAH ACMG Specifications v1. Collection method: curation. Allele origin: germline. Inheritance: Autosomal recessive inheritance.
Comment: The c.1147C>T (p.Gln383Ter) variant in PAH is a nonsense variant predicted to undergo NMD, present in all biologically relevant transcripts, absent from all populations databases. It has been identified in a patient with classic PKU as homozygous, and in trans with a pathogenic variant (R408W), although defect in BH4 metabolism was not excluded in either patient. (PMID: 24350308, 22763404). In summary, this variant meets criteria to be classified as pathogenic for PAH. PAH-specific ACMG/AMP criteria applied: PVS1, PM2, PM3, PP4.

Natera, Inc.
Classification: Pathogenic for Phenylketonuria. Last evaluated: 2025-08-11. Review status: criteria provided, single submitter. Criteria: Natera Variant Classification Schema (03/2026). Collection method: clinical testing. Allele origin: germline. Not counted in ClinVar's aggregate classification.
Comment: The c.1147C>T variant in PAH is a nonsense variant predicted to introduce a stop codon at amino acid 383. This variant is expected to result in nonsense mediated decay, truncation, or a dysfunctional protein product. This variant is rare in the general population with a frequency below the threshold expected for the associated phenotype(s). This variant has been observed in one or more individuals affected with the associated recessive disease, as either homozygous or compound heterozygous with a second variant (PMID: 32962492, 22763404). Given the available evidence, this variant is classified as Pathogenic.

Labcorp Genetics (formerly Invitae), Labcorp
Classification: Pathogenic for Phenylketonuria. Last evaluated: 2022-07-19. Review status: criteria provided, single submitter. Criteria: Invitae Variant Classification Sherloc (09022015). Collection method: clinical testing. Allele origin: germline. Not counted in ClinVar's aggregate classification.
Comment: For these reasons, this variant has been classified as Pathogenic. Algorithms developed to predict the effect of sequence changes on RNA splicing suggest that this variant may disrupt the consensus splice site. ClinVar contains an entry for this variant (Variation ID: 370701). This premature translational stop signal has been observed in individual(s) with hyperphenylalaninemia and/or phenylketonuria (PMID: 22763404, 24350308, 29499199, 32668217). This variant is not present in population databases (gnomAD no frequency). This sequence change creates a premature translational stop signal (p.Gln383*) in the PAH gene. It is expected to result in an absent or disrupted protein product. Loss-of-function variants in PAH are known to be pathogenic (PMID: 1301187, 9634518).

Counsyl
Classification: Likely pathogenic for Phenylketonuria. Last evaluated: 2016-03-24. Review status: no assertion criteria provided. Collection method: clinical testing. Allele origin: unknown. Not counted in ClinVar's aggregate classification.

Literature cited by the submitters: PubMed 24350308 (cited by 3 submitters); PubMed 22763404 (cited by 4 submitters); PubMed 32962492 (cited by Natera, Inc.); PubMed 29499199 (cited by Labcorp Genetics (formerly Invitae), Labcorp); PubMed 32668217 (cited by Labcorp Genetics (formerly Invitae), Labcorp); PubMed 1301187 (cited by Labcorp Genetics (formerly Invitae), Labcorp); PubMed 9634518 (cited by Labcorp Genetics (formerly Invitae), Labcorp).

NM_000277.3(PAH):c.1147C>T (p.Gln383Ter)

Gene: PAH (phenylalanine hydroxylase; minus strand). Cytogenetic location: 12q23.2.
Variant type: single nucleotide variant.
Coding change: c.1147C>T on transcript NM_000277.3 (MANE Select); coding-DNA position 1147, C replaced by T.
Protein change: p.Gln383Ter; replaces glutamine 383 with a stop codon.
Molecular consequence: nonsense.
Genome position (GRCh38, 1-based): chr12:102,843,698, G>A on the plus strand (C>T on the coding strand, the complement: PAH is on the minus strand). VCF-style: chr12-102843698-G-A. GRCh37 (hg19) VCF-style: chr12-103237476-G-A.
Other names: NM_000277.2(PAH):c.1147C>T; c.1147C>T, p.Gln383Ter (NM_001354304.2); c.1147C>T (NM_000277.2); short protein forms Q383*.
Identifiers: ClinVar variation 370701 (VCV000370701.11), dbSNP rs1037293795, ClinGen allele CA16020949.